The following is an entry in ClinVar:

ClinVar aggregate classification (germline): Likely benign. Review status: criteria provided, multiple submitters, no conflicts (2 of 4 stars). 5 submissions from 5 submitters: Likely benign (4). 1 of the submissions does not count toward it. Last evaluated 2026-01-24.

Conditions:
Facial dysmorphism-immunodeficiency-livedo-short stature syndrome. Also called: Facial dysmorphism, immunodeficiency, livedo, and short stature; FILS syndrome. Identifiers: Orphanet 352712, MedGen C3554576, MONDO:0014058, OMIM 615139.
Colorectal cancer, susceptibility to, 12 (CRCS12). Also called: COLORECTAL CANCER, SUSCEPTIBILITY TO, ON CHROMOSOME 12q24. Identifiers: Orphanet 220460, MedGen C3554460, MONDO:0014038, OMIM 615083.
Intrauterine growth retardation, metaphyseal dysplasia, adrenal hypoplasia congenita, genital anomalies, and immunodeficiency. Also called: IMAGEI SYNDROME. Identifiers: MedGen C5193036, MONDO:0032684, OMIM 618336.
POLE-related disorder. Also called: POLE-related condition; POLE-related disorders.
Hereditary cancer-predisposing syndrome. Also called: Neoplastic Syndromes, Hereditary; Tumor predisposition; Hereditary Cancer Syndrome; Hereditary neoplastic syndrome. Identifiers: Orphanet 140162, MedGen C0027672, MeSH D009386, MONDO:0015356.

Allele frequency attached by ClinVar (database versions not stated): gnomAD 0.00001; TOPMed 0.00001; gnomAD exomes 0.00002.
gnomAD v4.1: 24 of 1,612,948 alleles (0.0015%); highest among the groups gnomAD compares: Non-Finnish European, 0.0018%; no homozygotes.

Submissions (5):

Labcorp Genetics (formerly Invitae), Labcorp
Classification: Likely benign. Last evaluated: 2026-01-24. Review status: criteria provided, single submitter. Criteria: Invitae Variant Classification Sherloc (09022015). Collection method: clinical testing. Allele origin: germline.

Department of Pathology and Laboratory Medicine, Sinai Health System
Classification: Likely benign for Colorectal cancer, susceptibility to, 12; Facial dysmorphism-immunodeficiency-livedo-short stature syndrome; Intrauterine growth retardation, metaphyseal dysplasia, adrenal hypoplasia congenita, genital anomalies, and immunodeficiency. Last evaluated: 2024-01-02. Review status: criteria provided, single submitter. Criteria: ACMG Guidelines, 2015. Collection method: clinical testing. Allele origin: germline. Affected: no.

Women's Health and Genetics/Laboratory Corporation of America, LabCorp
Classification: Likely benign. Last evaluated: 2020-11-27. Review status: criteria provided, single submitter. Criteria: LabCorp Variant Classification Summary - May 2015. Collection method: clinical testing. Allele origin: germline.

Ambry Genetics
Classification: Likely benign for Hereditary cancer-predisposing syndrome. Last evaluated: 2016-07-25. Review status: criteria provided, single submitter. Criteria: Ambry Variant Classification Scheme 2023. Collection method: clinical testing. Allele origin: germline.

PreventionGenetics, part of Exact Sciences
Classification: Likely benign for POLE-related condition. Last evaluated: 2019-04-09. Review status: no assertion criteria provided. Collection method: clinical testing. Allele origin: germline. Not counted in ClinVar's aggregate classification.
Comment: This variant is classified as likely benign based on ACMG/AMP sequence variant interpretation guidelines (Richards et al. 2015 PMID: 25741868, with internal and published modifications).

NM_006231.4(POLE):c.2361C>T (p.Asp787=)

Gene: POLE (DNA polymerase epsilon, catalytic subunit; minus strand). Cytogenetic location: 12q24.33.
Variant type: single nucleotide variant.
Coding change: c.2361C>T on transcript NM_006231.4 (MANE Select); coding-DNA position 2361, C replaced by T.
Protein change: p.Asp787=; no amino-acid change (aspartic acid 787 retained).
Molecular consequence: synonymous variant.
Genome position (GRCh38, 1-based): chr12:132,665,409, G>A on the plus strand (C>T on the coding strand, the complement: POLE is on the minus strand). VCF-style: chr12-132665409-G-A. GRCh37 (hg19) VCF-style: chr12-133241995-G-A.
Identifiers: ClinVar variation 413583 (VCV000413583.19), dbSNP rs1060504070, ClinGen allele CA16613858.